The following is an entry in ClinVar:

NM_001130009.3(GEN1):c.883T>C (p.Cys295Arg)

Gene: GEN1 (GEN1 structure-specific endonuclease; plus strand). Cytogenetic location: 2p24.2.
Variant type: single nucleotide variant.
Coding change: c.883T>C on transcript NM_001130009.3 (MANE Select); coding-DNA position 883, T replaced by C.
Protein change: p.Cys295Arg; replaces cysteine 295 with arginine.
Molecular consequence: missense variant.
Genome position (GRCh38, 1-based): chr2:17,772,714, T>C. VCF-style: chr2-17772714-T-C. GRCh37 (hg19) VCF-style: chr2-17953981-T-C.
Other names: c.883T>C, p.Cys295Arg (NM_182625.5); short protein forms C295R.
Identifiers: ClinVar variation 4842200 (VCV004842200.1).
Genomic context (GRCh38, chr2:17,772,714, plus strand): 5'-CGTAATGGATGCAGATTATGTAAAAGTGATAAATATTGTGAGCCACATGACTATGAATAC[T>C]GCTGTCCTTGTGAGTGGCACCGTACAGAACATGATAGGCAACTCAGTGAAGTAGAGAACA-3'
Protein context (NP_001123481.3, residues 285-305): KYCEPHDYEY[Cys295Arg]CPCEWHRTEH

ClinVar aggregate classification (germline): Uncertain significance (1 of 4 stars; one submission).

Submission:

Ambry Genetics
Classification: Uncertain significance. Last evaluated: 2025-12-24. Review status: criteria provided, single submitter. Criteria: Ambry Variant Classification Scheme 2023. Collection method: clinical testing. Allele origin: germline.
Comment: The p.C295R variant (also known as c.883T>C), located in coding exon 7 of the GEN1 gene, results from a T to C substitution at nucleotide position 883. The cysteine at codon 295 is replaced by arginine, an amino acid with highly dissimilar properties. This amino acid position is conserved. In addition, this alteration is predicted to be tolerated by in silico analysis. Based on the available evidence, the clinical significance of this variant remains unclear.